The following is an entry in ClinVar:

NM_004369.4(COL6A3):c.8422C>T (p.Pro2808Ser)

Gene: COL6A3 (collagen type VI alpha 3 chain; minus strand). Cytogenetic location: 2q37.3.
Variant type: single nucleotide variant.
Coding change: c.8422C>T on transcript NM_004369.4 (MANE Select); coding-DNA position 8422, C replaced by T.
Protein change: p.Pro2808Ser; replaces proline 2808 with serine.
Molecular consequence: missense variant.
Genome position (GRCh38, 1-based): chr2:237,340,494, G>A on the plus strand (C>T on the coding strand, the complement: COL6A3 is on the minus strand). VCF-style: chr2-237340494-G-A. GRCh37 (hg19) VCF-style: chr2-238249137-G-A.
Other names: c.6601C>T, p.Pro2201Ser (NM_057166.5); c.7804C>T, p.Pro2602Ser (NM_057167.4); short protein forms P2201S, P2602S, P2808S.
Identifiers: ClinVar variation 1374796 (VCV001374796.10), dbSNP rs1335582737, ClinGen allele CA351194575.

ClinVar aggregate classification (germline): Uncertain significance. Review status: criteria provided, multiple submitters, no conflicts (2 of 4 stars). 3 submissions from 3 submitters: Uncertain significance (3). Last evaluated 2026-04-06.

Conditions:
Bethlem myopathy 1A. Also called: Bethlem myopathy 1; Bethlem Muscular Dystrophy; MYOPATHY, BENIGN CONGENITAL, WITH CONTRACTURES. Identifiers: Orphanet 610, MedGen CN029274, MONDO:0024530, OMIM 158810.

Allele frequency attached by ClinVar (database versions not stated): gnomAD 0.00001.
gnomAD v4.1: 15 of 1,613,882 alleles (0.00093%); highest among the groups gnomAD compares: African/African-American, 0.0013%; no homozygotes.

Submissions (3):

Women's Health and Genetics/Laboratory Corporation of America, LabCorp
Classification: Uncertain significance. Last evaluated: 2026-04-06. Review status: criteria provided, single submitter. Criteria: LabCorp Variant Classification Summary - May 2015. Collection method: clinical testing. Allele origin: germline.
Comment: Variant summary: COL6A3 c.8422C>T (p.Pro2808Ser) results in a non-conservative amino acid change in the encoded protein sequence. Algorithms developed to predict the effect of missense changes on protein structure and function all suggest that this variant is likely to be disruptive. The variant allele was found at a frequency of 4e-06 in 251250 control chromosomes. The available data on variant occurrences in the general population are insufficient to allow any conclusion about variant significance. To our knowledge, no occurrence of c.8422C>T in individuals affected with COL6A3-related conditions and no experimental evidence demonstrating its impact on protein function have been reported. ClinVar contains an entry for this variant (Variation ID: 1374796). Based on the evidence outlined above, the variant was classified as uncertain significance.

Revvity Omics, Revvity
Classification: Uncertain significance. Last evaluated: 2025-02-19. Review status: criteria provided, single submitter. Criteria: ACMG Guidelines, 2015. Collection method: clinical testing. Allele origin: germline.

Labcorp Genetics (formerly Invitae), Labcorp
Classification: Uncertain significance for Bethlem myopathy 1A. Last evaluated: 2022-12-06. Review status: criteria provided, single submitter. Criteria: Invitae Variant Classification Sherloc (09022015). Collection method: clinical testing. Allele origin: germline.
Comment: This variant has not been reported in the literature in individuals affected with COL6A3-related conditions. In summary, the available evidence is currently insufficient to determine the role of this variant in disease. Therefore, it has been classified as a Variant of Uncertain Significance. Advanced modeling of protein sequence and biophysical properties (such as structural, functional, and spatial information, amino acid conservation, physicochemical variation, residue mobility, and thermodynamic stability) performed at Invitae indicates that this missense variant is not expected to disrupt COL6A3 protein function. ClinVar contains an entry for this variant (Variation ID: 1374796). This variant is present in population databases (no rsID available, gnomAD 0.0009%). This sequence change replaces proline, which is neutral and non-polar, with serine, which is neutral and polar, at codon 2808 of the COL6A3 protein (p.Pro2808Ser).